The following is an entry in ClinVar:

ClinVar aggregate classification (germline): Uncertain significance (1 of 4 stars; one submission).

Submission:

Labcorp Genetics (formerly Invitae), Labcorp
Classification: Uncertain significance. Last evaluated: 2025-03-10. Review status: criteria provided, single submitter. Criteria: Invitae Variant Classification Sherloc (09022015). Collection method: clinical testing. Allele origin: germline.
Comment: This sequence change replaces proline, which is neutral and non-polar, with serine, which is neutral and polar, at codon 492 of the WFS1 protein (p.Pro492Ser). This variant is not present in population databases (gnomAD no frequency). This variant has not been reported in the literature in individuals affected with WFS1-related conditions. Invitae Evidence Modeling of protein sequence and biophysical properties (such as structural, functional, and spatial information, amino acid conservation, physicochemical variation, residue mobility, and thermodynamic stability) has been performed for this missense variant. However, the output from this modeling did not meet the statistical confidence thresholds required to predict the impact of this variant on WFS1 protein function. In summary, the available evidence is currently insufficient to determine the role of this variant in disease. Therefore, it has been classified as a Variant of Uncertain Significance.

NM_006005.3(WFS1):c.1474C>T (p.Pro492Ser)

Gene: WFS1 (wolframin ER transmembrane glycoprotein; plus strand). Cytogenetic location: 4p16.1.
Variant type: single nucleotide variant.
Coding change: c.1474C>T on transcript NM_006005.3 (MANE Select); coding-DNA position 1474, C replaced by T.
Protein change: p.Pro492Ser; replaces proline 492 with serine.
Molecular consequence: missense variant.
Genome position (GRCh38, 1-based): chr4:6,301,269, C>T. VCF-style: chr4-6301269-C-T. GRCh37 (hg19) VCF-style: chr4-6302996-C-T.
Other names: c.1474C>T, p.Pro492Ser (NM_001145853.1); short protein forms P492S.
Identifiers: ClinVar variation 4802685 (VCV004802685.1).